The following is an entry in ClinVar:

NM_001999.4(FBN2):c.6045A>G (p.Ile2015Met)

Gene: FBN2 (fibrillin 2; minus strand). Cytogenetic location: 5q23.3.
Variant type: single nucleotide variant.
Coding change: c.6045A>G on transcript NM_001999.4 (MANE Select); coding-DNA position 6045, A replaced by G.
Protein change: p.Ile2015Met; replaces isoleucine 2015 with methionine.
Molecular consequence: missense variant.
Genome position (GRCh38, 1-based): chr5:128,301,383, T>C on the plus strand (A>G on the coding strand, the complement: FBN2 is on the minus strand). VCF-style: chr5-128301383-T-C. GRCh37 (hg19) VCF-style: chr5-127637075-T-C.
Other names: short protein forms I2015M.
Identifiers: ClinVar variation 1475819 (VCV001475819.8), dbSNP rs770585421, ClinGen allele CA3394524.
Genomic context (GRCh38, chr5:128,301,383, plus strand): 5'-CATATCATCATTTTACAAAACATAACACCACAAAGACTGCTTATTATTTAAATACTTACC[T>C]ATACAGTTTTTGCCATCTGGGGTAAGTTCATAACCTTCGTTACATAGACACTTGAAAGAA-3'
Protein context (NP_001990.2, residues 2005-2025): YELTPDGKNC[Ile2015Met]DTNECVALPG

ClinVar aggregate classification (germline): Uncertain significance (1 of 4 stars; one submission).

Conditions:
Congenital contractural arachnodactyly (CCA). Also called: Arthrogryposis, distal, type 9; BEALS SYNDROME; Beals-Hecht syndrome. Identifiers: Orphanet 115, MedGen C0220668, MONDO:0007363, OMIM 121050.

Allele frequency attached by ClinVar (database versions not stated): gnomAD exomes below 0.00001; ExAC 0.00001.
gnomAD v4.1: 1 of 1,612,622 alleles (0.000062%); highest among the groups gnomAD compares: Non-Finnish European, 0.000085%; no homozygotes.

Submission:

Labcorp Genetics (formerly Invitae), Labcorp
Classification: Uncertain significance for Congenital contractural arachnodactyly. Last evaluated: 2021-02-15. Review status: criteria provided, single submitter. Criteria: Invitae Variant Classification Sherloc (09022015). Collection method: clinical testing. Allele origin: germline.
Comment: This sequence change replaces isoleucine with methionine at codon 2015 of the FBN2 protein (p.Ile2015Met). The isoleucine residue is highly conserved and there is a small physicochemical difference between isoleucine and methionine. This variant is present in population databases (rs770585421, ExAC 0.002%). This variant has not been reported in the literature in individuals with FBN2-related conditions. Algorithms developed to predict the effect of missense changes on protein structure and function are either unavailable or do not agree on the potential impact of this missense change (SIFT: "Deleterious"; PolyPhen-2: "Benign"; Align-GVGD: "Class C0"). In summary, the available evidence is currently insufficient to determine the role of this variant in disease. Therefore, it has been classified as a Variant of Uncertain Significance.